The following is an entry in ClinVar:

ClinVar aggregate classification (germline): Uncertain significance. Review status: criteria provided, multiple submitters, no conflicts (2 of 4 stars). 5 submissions from 5 submitters: Uncertain significance (5). Last evaluated 2024-11-22.

Conditions:
Hereditary cancer-predisposing syndrome. Also called: Tumor predisposition; Hereditary Cancer Syndrome; Hereditary neoplastic syndrome; Neoplastic Syndromes, Hereditary. Identifiers: Orphanet 140162, MedGen C0027672, MeSH D009386, MONDO:0015356.
Familial cancer of breast. Also called: BREAST CANCER, FAMILIAL; hereditary breast carcinoma; Hereditary breast cancer. Identifiers: Orphanet 227535, MedGen C0346153, MONDO:0016419, OMIM 114480. Disease mechanism: loss of function.
Fanconi anemia complementation group J. Also called: BRIP1-Related Fanconi Anemia. Identifiers: Orphanet 84, MedGen C1836860, MONDO:0012187, OMIM 609054.

Submissions (5):

Women's Health and Genetics/Laboratory Corporation of America, LabCorp
Classification: Uncertain significance. Last evaluated: 2024-11-22. Review status: criteria provided, single submitter. Criteria: LabCorp Variant Classification Summary - May 2015. Collection method: clinical testing. Allele origin: germline.
Comment: Variant summary: BRIP1 c.139C>A (p.Pro47Thr) results in a non-conservative amino acid change located in the Superfamilies 1 and 2 helicase ATP-binding type-2 domain profile (IPR014013) of the encoded protein sequence. Five of five in-silico tools predict a damaging effect of the variant on protein function. The variant was absent in 251410 control chromosomes. The available data on variant occurrences in the general population are insufficient to allow any conclusion about variant significance. c.139C>A has been reported in the literature in an individual referred for cancer panel testing without clinical information about the variant carrier (Susswein_2016). These report(s) do not provide unequivocal conclusions about association of the variant with Fanconi Anemia Complementation Group J. To our knowledge, no experimental evidence demonstrating an impact on protein function has been reported. The following publication have been ascertained in the context of this evaluation (PMID: 26681312). ClinVar contains an entry for this variant (Variation ID: 182340). Based on the evidence outlined above, the variant was classified as uncertain significance.

Labcorp Genetics (formerly Invitae), Labcorp
Classification: Uncertain significance for Familial cancer of breast; Fanconi anemia complementation group J. Last evaluated: 2024-08-11. Review status: criteria provided, single submitter. Criteria: Invitae Variant Classification Sherloc (09022015). Collection method: clinical testing. Allele origin: germline.
Comment: This sequence change replaces proline, which is neutral and non-polar, with threonine, which is neutral and polar, at codon 47 of the BRIP1 protein (p.Pro47Thr). This variant is not present in population databases (gnomAD no frequency). This missense change has been observed in individual(s) with ovarian cancer (PMID: 26681312, 31341520). ClinVar contains an entry for this variant (Variation ID: 182340). Advanced modeling of protein sequence and biophysical properties (such as structural, functional, and spatial information, amino acid conservation, physicochemical variation, residue mobility, and thermodynamic stability) performed at Invitae indicates that this missense variant is expected to disrupt BRIP1 protein function with a positive predictive value of 80%. In summary, the available evidence is currently insufficient to determine the role of this variant in disease. Therefore, it has been classified as a Variant of Uncertain Significance.

Ambry Genetics
Classification: Uncertain significance for Hereditary cancer-predisposing syndrome. Last evaluated: 2024-06-28. Review status: criteria provided, single submitter. Criteria: Ambry Variant Classification Scheme 2023. Collection method: clinical testing. Allele origin: germline.
Comment: The p.P47T variant (also known as c.139C>A), located in coding exon 2 of the BRIP1 gene, results from a C to A substitution at nucleotide position 139. The proline at codon 47 is replaced by threonine, an amino acid with highly similar properties. This alteration was identified in 1/10030 consecutive patients referred for evaluation by an NGS hereditary cancer panel (Susswein LR et al. Genet. Med. 2016 08;18:823-32). This amino acid position is highly conserved in available vertebrate species. In addition, this alteration is predicted to be deleterious by in silico analysis. Based on the available evidence, the clinical significance of this variant remains unclear.

Color Diagnostics, LLC DBA Color Health
Classification: Uncertain significance for Hereditary cancer-predisposing syndrome. Last evaluated: 2020-06-29. Review status: criteria provided, single submitter. Criteria: ACMG Guidelines, 2015. Collection method: clinical testing. Allele origin: germline.
Comment: This missense variant replaces proline with threonine at codon 47 of the BRIP1 protein. Computational prediction suggests that this variant may have deleterious impact on protein structure and function (internally defined REVEL score threshold >= 0.7, PMID: 27666373). To our knowledge, functional studies have not been reported for this variant. This variant has been reported in an individual undergoing hereditary cancer testing but with no reported clinical history of cancer(PMID: 26681312). This variant has not been identified in the general population by the Genome Aggregation Database (gnomAD). The available evidence is insufficient to determine the role of this variant in disease conclusively. Therefore, this variant is classified as a Variant of Uncertain Significance.

GeneDx
Classification: Uncertain significance. Last evaluated: 2019-03-15. Review status: criteria provided, single submitter. Criteria: GeneDx Variant Classification (06012015). Collection method: clinical testing. Allele origin: germline. Affected: yes.
Comment: This variant is denoted BRIP1 c.139C>A at the cDNA level, p.Pro47Thr (P47T) at the protein level, and results in the change of a Proline to a Threonine (CCC>ACC). This variant has not, to our knowledge, been published in the literature as a pathogenic or benign germline variant. BRIP1 Pro47Thr was not observed in large population cohorts (Lek 2016). This variant is located in the helicase domain I (Cantor 2001). In silico analysis, which includes protein predictors and evolutionary conservation, supports a deleterious effect. Based on currently available evidence, it is unclear whether BRIP1 Pro47Thr is a pathogenic or benign variant. We consider it to be a variant of uncertain significance.

Literature cited by the submitters: PubMed 26681312 (cited by 3 submitters); PubMed 31341520 (cited by Labcorp Genetics (formerly Invitae), Labcorp); PubMed 23276657 (cited by Ambry Genetics).

NM_032043.3(BRIP1):c.139C>A (p.Pro47Thr)

Gene: BRIP1 (BRCA1 interacting DNA helicase 1; minus strand). Cytogenetic location: 17q23.2.
Variant type: single nucleotide variant.
Coding change: c.139C>A on transcript NM_032043.3 (MANE Select); coding-DNA position 139, C replaced by A.
Protein change: p.Pro47Thr; replaces proline 47 with threonine.
Molecular consequence: missense variant.
Genome position (GRCh38, 1-based): chr17:61,859,862, G>T on the plus strand (C>A on the coding strand, the complement: BRIP1 is on the minus strand). VCF-style: chr17-61859862-G-T. GRCh37 (hg19) VCF-style: chr17-59937223-G-T.
Other names: p.P47T:CCC>ACC; short protein forms P47T.
Identifiers: ClinVar variation 182340 (VCV000182340.21), dbSNP rs28903098, ClinGen allele CA298854.